The following is an entry in ClinVar:

NM_025144.4(ALPK1):c.2228C>G (p.Ala743Gly)

Gene: ALPK1 (alpha kinase 1; plus strand). Cytogenetic location: 4q25.
Variant type: single nucleotide variant.
Coding change: c.2228C>G on transcript NM_025144.4 (MANE Select); coding-DNA position 2228, C replaced by G.
Protein change: p.Ala743Gly; replaces alanine 743 with glycine.
Molecular consequence: missense variant.
Genome position (GRCh38, 1-based): chr4:112,431,775, C>G. VCF-style: chr4-112431775-C-G. GRCh37 (hg19) VCF-style: chr4-113352931-C-G.
Other names: c.2228C>G, p.Ala743Gly (NM_001102406.2); c.1994C>G, p.Ala665Gly (NM_001253884.2); short protein forms A743G, A665G.
Identifiers: ClinVar variation 4709369 (VCV004709369.1).
Genomic context (GRCh38, chr4:112,431,775, plus strand): 5'-CTTCTGATTCTGGTAGGCCCAAGAATATGGGCACACATCCTTCAGTCCAAAAAGAAGAAG[C>G]CTTTGAAATAATTGTTGAGTTTCCAGAAACCAACTGCGATGTCAAAGACAGGCAGGGGAA-3'
Protein context (NP_079420.3, residues 733-753): GTHPSVQKEE[Ala743Gly]FEIIVEFPET

ClinVar aggregate classification (germline): Uncertain significance (1 of 4 stars; one submission).

gnomAD v4.1: 2 of 1,614,174 alleles (0.00012%); highest among the groups gnomAD compares: Admixed American, 0.0017%; no homozygotes.

Submission:

Labcorp Genetics (formerly Invitae), Labcorp
Classification: Uncertain significance. Last evaluated: 2025-11-08. Review status: criteria provided, single submitter. Criteria: Invitae Variant Classification Sherloc (09022015). Collection method: clinical testing. Allele origin: germline.
Comment: This sequence change replaces alanine, which is neutral and non-polar, with glycine, which is neutral and non-polar, at codon 743 of the ALPK1 protein (p.Ala743Gly). This variant is present in population databases (no rsID available, gnomAD 0.003%). This variant has not been reported in the literature in individuals affected with ALPK1-related conditions. Invitae Evidence Modeling of protein sequence and biophysical properties (such as structural, functional, and spatial information, amino acid conservation, physicochemical variation, residue mobility, and thermodynamic stability) indicates that this missense variant is not expected to disrupt ALPK1 protein function with a negative predictive value of 80%. In summary, the available evidence is currently insufficient to determine the role of this variant in disease. Therefore, it has been classified as a Variant of Uncertain Significance.